The following is an entry in ClinVar:

ClinVar aggregate classification (germline): Likely benign. Review status: criteria provided, multiple submitters, no conflicts (2 of 4 stars). 2 submissions from 2 submitters: Likely benign (2). Last evaluated 2024-03-24.

Conditions:
Arrhythmogenic right ventricular dysplasia 10. Also called: ARRHYTHMOGENIC RIGHT VENTRICULAR DYSPLASIA, FAMILIAL, 10; Arrhythmogenic Right Ventricular Dysplasia/Cardiomyopathy10; Arrhythmogenic right ventricular dysplasia/cardiomyopathy, type 10. Identifiers: MedGen C1857777, MONDO:0012434, OMIM 610193.
Arrhythmogenic right ventricular cardiomyopathy (ARVD). Also called: Arrhythmogenic right ventricular dysplasia; Cardiomyopathy, ARVC; Arrhythmogenic cardiomyopathy; Arrhythmogenic Right Ventricular Cardiomyopathy (ARVC). Identifiers: Orphanet 247, MedGen C0349788, MeSH D019571, MONDO:0016587. Disease mechanism: loss of function. Inheritance: Various modes of inheritance.

Allele frequency attached by ClinVar (database versions not stated): gnomAD exomes below 0.00001; TOPMed below 0.00001.
gnomAD v4.1: 1 of 1,606,208 alleles (0.000062%); highest among the groups gnomAD compares: Non-Finnish European, 0.000085%; no homozygotes.

Submissions (2):

All of Us Research Program, National Institutes of Health
Classification: Likely benign for Arrhythmogenic right ventricular cardiomyopathy. Last evaluated: 2024-03-24. Review status: criteria provided, single submitter. Criteria: ACMG Guidelines, 2015. Collection method: clinical testing. Allele origin: germline. Inheritance: Autosomal dominant inheritance. Observed: 2 variant alleles, 2 heterozygotes.
Comment: This study involves interpretation of variants in research participants for the purpose of population health screening. Participant phenotype was not available at the time of variant classification. Additional details can be found in publication PMID: 35346344, PMCID: PMC8962531

Labcorp Genetics (formerly Invitae), Labcorp
Classification: Likely benign for Arrhythmogenic right ventricular dysplasia 10. Last evaluated: 2023-08-09. Review status: criteria provided, single submitter. Criteria: Invitae Variant Classification Sherloc (09022015). Collection method: clinical testing. Allele origin: germline.

NM_001943.5(DSG2):c.2268C>T (p.Asp756=)

Genes: DSG2 (desmoglein 2; plus strand), DSG2-AS1 (DSG2 antisense RNA 1; minus strand). Cytogenetic location: 18q12.1.
Variant type: single nucleotide variant.
Coding change: c.2268C>T on transcript NM_001943.5 (MANE Select); coding-DNA position 2268, C replaced by T.
Protein change: p.Asp756=; no amino-acid change (aspartic acid 756 retained).
Molecular consequence: synonymous variant.
Genome position (GRCh38, 1-based): chr18:31,542,786, C>T. VCF-style: chr18-31542786-C-T. GRCh37 (hg19) VCF-style: chr18-29122749-C-T.
Identifiers: ClinVar variation 2738945 (VCV002738945.5), dbSNP rs1336510948, ClinGen allele CA503766056.